The following is an entry in ClinVar:

NM_000435.3(NOTCH3):c.4798T>A (p.Cys1600Ser)

Gene: NOTCH3 (notch receptor 3; minus strand). Cytogenetic location: 19p13.12.
Variant type: single nucleotide variant.
Coding change: c.4798T>A on transcript NM_000435.3 (MANE Select); coding-DNA position 4798, T replaced by A.
Protein change: p.Cys1600Ser; replaces cysteine 1600 with serine.
Molecular consequence: missense variant.
Genome position (GRCh38, 1-based): chr19:15,170,764, A>T on the plus strand (T>A on the coding strand, the complement: NOTCH3 is on the minus strand). VCF-style: chr19-15170764-A-T. GRCh37 (hg19) VCF-style: chr19-15281575-A-T.
Other names: short protein forms C1600S.
Identifiers: ClinVar variation 938204 (VCV000938204.9), dbSNP rs2046726978, ClinGen allele CA404498595.

ClinVar aggregate classification (germline): Uncertain significance (1 of 4 stars; one submission).

Submission:

Labcorp Genetics (formerly Invitae), Labcorp
Classification: Uncertain significance. Last evaluated: 2019-06-20. Review status: criteria provided, single submitter. Criteria: Invitae Variant Classification Sherloc (09022015). Collection method: clinical testing. Allele origin: germline.
Comment: This sequence change replaces cysteine with serine at codon 1600 of the NOTCH3 protein (p.Cys1600Ser). The cysteine residue is highly conserved and there is a moderate physicochemical difference between cysteine and serine. This variant is not present in population databases (ExAC no frequency). This variant has not been reported in the literature in individuals with NOTCH3-related conditions. Algorithms developed to predict the effect of missense changes on protein structure and function (SIFT, PolyPhen-2, Align-GVGD) all suggest that this variant is likely to be disruptive, but these predictions have not been confirmed by published functional studies and their clinical significance is uncertain. In summary, the available evidence is currently insufficient to determine the role of this variant in disease. Therefore, it has been classified as a Variant of Uncertain Significance.